The following is an entry in ClinVar:

ClinVar aggregate classification (germline): Benign/Likely benign. Review status: criteria provided, multiple submitters, no conflicts (2 of 4 stars). 9 submissions from 9 submitters: Benign (1); Likely benign (5). 3 of the submissions do not count toward it. Last evaluated 2026-01-17.

Conditions:
SLC35A2-congenital disorder of glycosylation. Also called: EPILEPTIC ENCEPHALOPATHY, EARLY INFANTILE, 22; SLC35A2-CDG; CONGENITAL DISORDER OF GLYCOSYLATION, TYPE IIm; CDG IIm; CONGENITAL DISORDER OF GLYCOSYLATION, TYPE IIm, SOMATIC MOSAIC; DEVELOPMENTAL AND EPILEPTIC ENCEPHALOPATHY 22. Identifiers: Orphanet 356961, MedGen C3806688, MONDO:0010478, OMIM 300896.
SLC35A2-related disorder. Also called: SLC35A2-related condition.
Inborn genetic diseases. Identifiers: MedGen C0950123, MeSH D030342.

Allele frequency attached by ClinVar (database versions not stated): TOPMed 0.00029; ExAC 0.00031; gnomAD 0.00041; ESP Exome Variant Server 0.00042.
gnomAD v4.1: 534 of 1,163,447 alleles (0.046%); highest among the groups gnomAD compares: Non-Finnish European, 0.058%; 1 homozygote.

Submissions (9):

Labcorp Genetics (formerly Invitae), Labcorp
Classification: Likely benign for SLC35A2-congenital disorder of glycosylation. Last evaluated: 2026-01-17. Review status: criteria provided, single submitter. Criteria: Invitae Variant Classification Sherloc (09022015). Collection method: clinical testing. Allele origin: germline.

Blueprint Genetics
Classification: Likely benign. Last evaluated: 2024-10-17. Review status: criteria provided, single submitter. Criteria: ACMG Guidelines, 2015. Collection method: clinical testing. Allele origin: germline.

CeGaT Center for Human Genetics Tuebingen
Classification: Likely benign. Last evaluated: 2024-02-01. Review status: criteria provided, single submitter. Criteria: CeGaT Center For Human Genetics Tuebingen Variant Classification Criteria Version 2. Collection method: clinical testing. Allele origin: germline. Affected: yes. Observed: 3 variant alleles.
Comment: SLC35A2: BP4, BP7, BS2

GeneDx
Classification: Likely benign. Last evaluated: 2021-06-07. Review status: criteria provided, single submitter. Criteria: GeneDx Variant Classification Process June 2021. Collection method: clinical testing. Allele origin: germline. Affected: yes.

Athena Diagnostics
Classification: Benign. Last evaluated: 2020-08-20. Review status: criteria provided, single submitter. Criteria: Athena Diagnostics Criteria. Collection method: clinical testing. Allele origin: unknown.

Ambry Genetics
Classification: Likely benign for Inborn genetic diseases. Last evaluated: 2018-11-11. Review status: criteria provided, single submitter. Criteria: Ambry Variant Classification Scheme 2023. Collection method: clinical testing. Allele origin: germline.

PreventionGenetics, part of Exact Sciences
Classification: Likely benign for SLC35A2-related condition. Last evaluated: 2019-07-24. Review status: no assertion criteria provided. Collection method: clinical testing. Allele origin: germline. Not counted in ClinVar's aggregate classification.
Comment: This variant is classified as likely benign based on ACMG/AMP sequence variant interpretation guidelines (Richards et al. 2015 PMID: 25741868, with internal and published modifications).

Clinical Genetics DNA and cytogenetics Diagnostics Lab, Erasmus MC, Erasmus Medical Center
Classification: Likely benign. Review status: no assertion criteria provided. Collection method: clinical testing. Allele origin: germline. Affected: yes. Study: VKGL Data-share Consensus. Not counted in ClinVar's aggregate classification.

Genome Diagnostics Laboratory, University Medical Center Utrecht
Classification: Likely benign. Review status: no assertion criteria provided. Collection method: clinical testing. Allele origin: germline. Affected: yes. Study: VKGL Data-share Consensus. Not counted in ClinVar's aggregate classification.

NM_005660.3(SLC35A2):c.30C>G (p.Thr10=)

Gene: SLC35A2 (solute carrier family 35 member A2; minus strand). Cytogenetic location: Xp11.23.
Variant type: single nucleotide variant.
Coding change: c.30C>G on transcript NM_005660.3 (MANE Select); coding-DNA position 30, C replaced by G.
Protein change: p.Thr10=; no amino-acid change (threonine 10 retained).
Molecular consequence: synonymous variant. On other transcripts: intron variant (1).
Genome position (GRCh38, 1-based): chrX:48,911,607, G>C on the plus strand (C>G on the coding strand, the complement: SLC35A2 is on the minus strand). VCF-style: chrX-48911607-G-C. GRCh37 (hg19) VCF-style: chrX-48768884-G-C.
Other names: c.30C>G, p.Thr10= (NM_001032289.3, NM_001042498.3, NM_001282647.2 and 3 more transcripts); c.19+252C>G (NM_001282648.2).
Identifiers: ClinVar variation 474047 (VCV000474047.54), dbSNP rs373480204, ClinGen allele CA10406218.